The following is an entry in ClinVar:

ClinVar aggregate classification (germline): Uncertain significance. Review status: criteria provided, multiple submitters, no conflicts (2 of 4 stars). 9 submissions from 9 submitters: Uncertain significance (7). 2 of the submissions do not count toward it. Last evaluated 2026-09-10.

Conditions:
CFTR-related disorder (CFTR-RD). Also called: CFTR-related condition; CFTR-related disorders. Identifiers: MedGen C5924204, MONDO:7770004.
Cystic fibrosis (CF). Also called: MUCOVISCIDOSIS. Identifiers: Orphanet 586, MedGen C0010674, MONDO:0009061, OMIM 219700. Disease mechanism: loss of function.

Allele frequency attached by ClinVar (database versions not stated): ExAC 0.00002; gnomAD exomes 0.00002; TOPMed 0.00002; gnomAD 0.00003 and 0.00004.
gnomAD v4.1: 78 of 1,613,080 alleles (0.0048%); highest among the groups gnomAD compares: Non-Finnish European, 0.0066%; no homozygotes.

Submissions (9):

PreventionGenetics, part of Exact Sciences
Classification: Uncertain significance for CFTR-related condition. Last evaluated: 2026-09-10. Review status: criteria provided, single submitter. Criteria: ACMG Guidelines, 2015. Collection method: clinical testing. Allele origin: germline.
Comment: The CFTR c.3322G>C variant is predicted to result in the amino acid substitution p.Val1108Leu. This variant has been reported in multiple individuals with congenital bilateral absence of the vas deferens (CBAVD) or CFTR-related disorders; however in at least two individuals this variant was found on the same allele (in cis) with a likely pathogenic or pathogenic variant (Grangeia et al 2007. PubMed ID: 17413420; Table S5, Steiner et al. 2011. PubMed ID: 21520337; Claustres et al. 2017. PubMed ID: 28603918). This variant is reported in 0.0035% of alleles in individuals of European (non-Finnish) descent in gnomAD and is consistently interpreted as uncertain in ClinVar (Variation ID: 53719). At this time, the clinical significance of this variant is uncertain due to the absence of conclusive functional and genetic evidence.

Women's Health and Genetics/Laboratory Corporation of America, LabCorp
Classification: Uncertain significance. Last evaluated: 2026-05-11. Review status: criteria provided, single submitter. Criteria: LabCorp Variant Classification Summary - May 2015. Collection method: clinical testing. Allele origin: germline.
Comment: Variant summary: CFTR c.3322G>C (p.Val1108Leu) results in a conservative amino acid change located in the ABC transporter type 1, transmembrane domain (IPR011527) of the encoded protein sequence. Algorithms developed to predict the effect of missense changes on protein structure and function are either unavailable or do not agree on the potential impact of this missense change. The variant allele was found at a frequency of 1.6e-05 in 250936 control chromosomes. The available data on variant occurrences in the general population are insufficient to allow any conclusion about variant significance. c.3322G>C has been observed as a non-informative genotype (second allele not-specified) or in cis with a pathogenic CFTR allele in individuals with features of CBAVD or chronic bronchitis (COPD Gene study cohort) (example, Grangeia_2007, Steiner_2011, Pagin_2016, Safareli_2022). These reports do not provide unequivocal conclusions about association of the variant with Cystic Fibrosis. To our knowledge, no experimental evidence demonstrating an impact on protein function has been reported. The following publications have been ascertained in the context of this evaluation (PMID: 28603918, 17413420, 26900683, 34996830, 21520337, 26277102, 29216686). ClinVar contains an entry for this variant (Variation ID: 53719). Based on the evidence outlined above, the variant was classified as uncertain significance.

Labcorp Genetics (formerly Invitae), Labcorp
Classification: Uncertain significance for Cystic fibrosis. Last evaluated: 2025-11-21. Review status: criteria provided, single submitter. Criteria: Invitae Variant Classification Sherloc (09022015). Collection method: clinical testing. Allele origin: germline.
Comment: This sequence change replaces valine, which is neutral and non-polar, with leucine, which is neutral and non-polar, at codon 1108 of the CFTR protein (p.Val1108Leu). This variant is present in population databases (rs397508542, gnomAD 0.004%). This missense change has been observed in individual(s) with a CFTR-related disorder and congenital absence of the vas deferens (PMID: 17413420, 21520337, 28603918). ClinVar contains an entry for this variant (Variation ID: 53719). Invitae Evidence Modeling of protein sequence and biophysical properties (such as structural, functional, and spatial information, amino acid conservation, physicochemical variation, residue mobility, and thermodynamic stability) has been performed for this missense variant. However, the output from this modeling did not meet the statistical confidence thresholds required to predict the impact of this variant on CFTR protein function. In summary, the available evidence is currently insufficient to determine the role of this variant in disease. Therefore, it has been classified as a Variant of Uncertain Significance.

ARUP Laboratories, Molecular Genetics and Genomics, ARUP Laboratories
Classification: Uncertain significance. Last evaluated: 2025-03-21. Review status: criteria provided, single submitter. Criteria: ARUP Molecular Germline Variant Investigation Process 2024. Collection method: clinical testing. Allele origin: germline.
Comment: The CFTR c.3322G>C; p.Val1108Leu variant (rs397508542; ClinVar Variation ID: 53719) is reported in the literature in an individual affected with congenital absence of the vas deferens who also carried a pathogenic-mild CFTR variant (Grangeia 2007), and has been observed in individuals with CFTR-associated conditions, but where the existence of a second allele was not specified (Pagin 2016, Saferali 2022, de Souza 2018). However, it has also been confirmed in cis with severe variants (Steiner 2011 and Claustres 2017). This variant is only observed on four alleles in the Genome Aggregation Database (v2.1.1), indicating it is not a common polymorphism. Computational analyses predict that this variant is deleterious (REVEL: 0.758). Due to conflicting information, the clinical significance of this variant is uncertain at this time. References: Claustres M et al. CFTR-France, a national relational patient database for sharing genetic and phenotypic data associated with rare CFTR variants. Hum Mutat. 2017 Oct;38(10):1297-1315. PMID: 28603918. de Souza DAS et al. Congenital bilateral absence of the vas deferens as an atypical form of cystic fibrosis: reproductive implications and genetic counseling. Andrology. 2018 Jan;6(1):127-135. PMID: 29216686 Grangeia A et al. Molecular characterization of the cystic fibrosis transmembrane conductance regulator gene in congenital absence of the vas deferens. Genet Med. 2007;9(3):163-172. PMID: 17413420 Pagin A et al. Applicability and Efficiency of NGS in Routine Diagnosis: In-Depth Performance Analysis of a Complete Workflow for CFTR Mutation Analysis. PLoS One. 2016 Feb 22;11(2):e0149426. PMID: 26900683 Saferali A et al. CFTR variants are associated with chronic bronchitis in smokers. Eur Respir J. 2022 Aug 10;60(2):2101994. PMID: 34996830 Steiner B et al. Common CFTR haplotypes and susceptibility to chronic pancreatitis and congenital bilateral absence of the vas deferens. Hum Mutat. 2011 Aug;32(8):912-20. PMID: 21520337.

Ambry Genetics
Classification: Uncertain significance for Cystic fibrosis. Last evaluated: 2024-02-08. Review status: criteria provided, single submitter. Criteria: Ambry Variant Classification Scheme 2023. Collection method: clinical testing. Allele origin: germline.
Comment: The p.V1108L variant (also known as c.3322G>C), located in coding exon 20 of the CFTR gene, results from a G to C substitution at nucleotide position 3322. The valine at codon 1108 is replaced by leucine, an amino acid with highly similar properties. This amino acid position is well conserved in available vertebrate species. In addition, this alteration is predicted to be deleterious by in silico analysis. Since supporting evidence is limited at this time, the clinical significance of this alteration remains unclear.

Genome-Nilou Lab
Classification: Uncertain significance for Cystic fibrosis. Last evaluated: 2021-09-05. Review status: criteria provided, single submitter. Criteria: ACMG Guidelines, 2015. Collection method: clinical testing. Allele origin: germline. Affected: no.

Blueprint Genetics
Classification: Uncertain significance. Last evaluated: 2019-03-22. Review status: criteria provided, single submitter. Criteria: ACMG Guidelines, 2015. Collection method: clinical testing. Allele origin: germline.

Natera, Inc.
Classification: Uncertain significance for CFTR-related disorders. Last evaluated: 2018-09-04. Review status: no assertion criteria provided. Collection method: clinical testing. Allele origin: germline. Not counted in ClinVar's aggregate classification.

ClinVar Staff, National Center for Biotechnology Information (NCBI)
No classification provided. Condition: CFTR-related disorders. Review status: no classification provided. Collection method: literature only. Allele origin: germline. Affected: yes. Not counted in ClinVar's aggregate classification.

Literature cited by the submitters: PubMed 21520337 (cited by Women's Health and Genetics/Laboratory Corporation of America, LabCorp and Labcorp Genetics (formerly Invitae), Labcorp); PubMed 17413420 (cited by 4 submitters); PubMed 28603918 (cited by Women's Health and Genetics/Laboratory Corporation of America, LabCorp and Labcorp Genetics (formerly Invitae), Labcorp); PubMed 26900683 (cited by Women's Health and Genetics/Laboratory Corporation of America, LabCorp); PubMed 26277102 (cited by Women's Health and Genetics/Laboratory Corporation of America, LabCorp); PubMed 29216686 (cited by Women's Health and Genetics/Laboratory Corporation of America, LabCorp); PubMed 34996830 (cited by Women's Health and Genetics/Laboratory Corporation of America, LabCorp).

NM_000492.4(CFTR):c.3322G>C (p.Val1108Leu)

Genes: CFTR (CF transmembrane conductance regulator; plus strand), CFTR-AS2 (CFTR antisense RNA 2; minus strand), LOC111674472 (DNase I hypersensitive sites in introns 16 and 17a of CFTR; plus strand). Cytogenetic location: 7q31.2.
Variant type: single nucleotide variant.
Coding change: c.3322G>C on transcript NM_000492.4 (MANE Select); coding-DNA position 3322, G replaced by C.
Protein change: p.Val1108Leu; replaces valine 1108 with leucine.
Molecular consequence: missense variant.
Genome position (GRCh38, 1-based): chr7:117,611,763, G>C. VCF-style: chr7-117611763-G-C. GRCh37 (hg19) VCF-style: chr7-117251817-G-C.
Other names: short protein forms V1108L.
Identifiers: ClinVar variation 53719 (VCV000053719.24), dbSNP rs397508542, ClinGen allele CA327147.
Genomic context (GRCh38, chr7:117,611,763, plus strand): 5'-AACTGGTTCTTGTACCTGTCAACACTGCGCTGGTTCCAAATGAGAATAGAAATGATTTTT[G>C]TCATCTTCTTCATTGCTGTTACCTTCATTTCCATTTTAACAACAGGTACTATGAACTCAT-3'
Protein context (NP_000483.3, residues 1098-1118): WFQMRIEMIF[Val1108Leu]IFFIAVTFIS